The following is an entry in ClinVar:

ClinVar aggregate classification (germline): Uncertain significance. Review status: criteria provided, multiple submitters, no conflicts (2 of 4 stars). 2 submissions from 2 submitters: Uncertain significance (2). Last evaluated 2026-06-22.

Conditions:
Hereditary cancer-predisposing syndrome. Also called: Hereditary Cancer Syndrome; Hereditary neoplastic syndrome; Neoplastic Syndromes, Hereditary; Tumor predisposition. Identifiers: Orphanet 140162, MedGen C0027672, MeSH D009386, MONDO:0015356.
Pheochromocytoma. Also called: MAX-Related Hereditary Paraganglioma-Pheochromocytoma Syndrome. Identifiers: Orphanet 29072, MedGen C0031511, MONDO:0008233, OMIM 171300, HP:0002666.
Pheochromocytoma/paraganglioma syndrome 4. Also called: CAROTID BODY TUMORS AND MULTIPLE EXTRAADRENAL PHEOCHROMOCYTOMAS; PARAGANGLIOMA, FAMILIAL MALIGNANT; PARAGANGLIOMAS, HEREDITARY EXTRAADRENAL; PHEOCHROMOCYTOMA, FAMILIAL EXTRAADRENAL; Paragangliomas 4; SDHB-Related Hereditary Paraganglioma-Pheochromocytoma Syndrome (Paragangliomas 4). Identifiers: Orphanet 29072, MedGen C1861848, MONDO:0007273, OMIM 115310.
Gastrointestinal stromal tumor. Also called: Gastrointestinal stroma tumor; Gastrointestinal stromal tumor, somatic. Identifiers: Orphanet 44890, MedGen C0238198, MeSH D046152, MONDO:0011719, OMIM 606764, HP:0100723.

Submissions (2):

Ambry Genetics
Classification: Uncertain significance for Hereditary cancer-predisposing syndrome. Last evaluated: 2026-06-22. Review status: criteria provided, single submitter. Criteria: Ambry Variant Classification Scheme 2023. Collection method: clinical testing. Allele origin: germline.
Comment: The p.I44M variant (also known as c.132C>G), located in coding exon 2 of the SDHB gene, results from a C to G substitution at nucleotide position 132. The isoleucine at codon 44 is replaced by methionine, an amino acid with highly similar properties. This amino acid position is well conserved in available vertebrate species. In addition, this alteration is predicted to be deleterious by in silico analysis. Based on the available evidence, the clinical significance of this variant remains unclear.

Labcorp Genetics (formerly Invitae), Labcorp
Classification: Uncertain significance for Gastrointestinal stromal tumor; Pheochromocytoma/paraganglioma syndrome 4; Pheochromocytoma. Last evaluated: 2026-01-20. Review status: criteria provided, single submitter. Criteria: Invitae Variant Classification Sherloc (09022015). Collection method: clinical testing. Allele origin: germline.
Comment: This sequence change replaces isoleucine, which is neutral and non-polar, with methionine, which is neutral and non-polar, at codon 44 of the SDHB protein (p.Ile44Met). This variant is not present in population databases (gnomAD no frequency). This variant has not been reported in the literature in individuals affected with SDHB-related conditions. Invitae Evidence Modeling of protein sequence and biophysical properties (such as structural, functional, and spatial information, amino acid conservation, physicochemical variation, residue mobility, and thermodynamic stability) indicates that this missense variant is expected to disrupt SDHB protein function with a positive predictive value of 80%. This variant disrupts the p.Ile44 amino acid residue in SDHB. Other variant(s) that disrupt this residue have been observed in individuals with SDHB-related conditions (PMID: 22948025; internal data), which suggests that this may be a clinically significant amino acid residue. In summary, the available evidence is currently insufficient to determine the role of this variant in disease. Therefore, it has been classified as a Variant of Uncertain Significance.

Literature cited by the submitters: PubMed 22948025 (cited by Labcorp Genetics (formerly Invitae), Labcorp).

NM_003000.3(SDHB):c.132C>G (p.Ile44Met)

Gene: SDHB (succinate dehydrogenase complex iron sulfur subunit B; minus strand). Cytogenetic location: 1p36.13.
Variant type: single nucleotide variant.
Coding change: c.132C>G on transcript NM_003000.3 (MANE Select); coding-DNA position 132, C replaced by G.
Protein change: p.Ile44Met; replaces isoleucine 44 with methionine.
Molecular consequence: missense variant.
Genome position (GRCh38, 1-based): chr1:17,044,829, G>C on the plus strand (C>G on the coding strand, the complement: SDHB is on the minus strand). VCF-style: chr1-17044829-G-C. GRCh37 (hg19) VCF-style: chr1-17371324-G-C.
Other names: c.132C>G, p.Ile44Met (NM_001407361.1); short protein forms I44M.
Identifiers: ClinVar variation 4782425 (VCV004782425.2).
Genomic context (GRCh38, chr1:17,044,829, plus strand): 5'-GTCAACTTCATAAGTCTGCATATGAGGTTTGTCTCCAGCCTTGTCTGGGTCCCATCGATA[G>C]ATGGCAAATTTCTTGATACGGGGAGCTGTGGCTGCAGCTGTCTGGGCTCCTCGGGAGGCC-3'
Protein context (NP_002991.2, residues 34-54): ATAPRIKKFA[Ile44Met]YRWDPDKAGD